The following is an entry in ClinVar:

NM_004655.4(AXIN2):c.10_11del (p.Ala4fs)

Gene: AXIN2 (axin 2; minus strand). Cytogenetic location: 17q24.1.
Variant type: Microsatellite.
Coding change: c.10_11del on transcript NM_004655.4 (MANE Select); coding-DNA positions 10 to 11, 2 bases deleted (GC; older notation c.10_11delGC).
Protein change: p.Ala4fs; shifts the reading frame from alanine 4.
Molecular consequence: frameshift variant.
Genome position (GRCh38, 1-based): chr17:65,558,610-65,558,611, GC deleted on the plus strand (GC on the coding strand, the reverse complement: AXIN2 is on the minus strand); deleting any 2 consecutive bases within chr17:65,558,610-65,558,613 gives the same sequence; the c. name uses the placement nearest the transcript's 3' end. VCF-style (leftmost placement, unchanged base first): chr17-65558609-AGC-A. GRCh37 (hg19) VCF-style: chr17-63554727-AGC-A.
Other names: c.10_11del, p.Ala4fs (NM_001363813.1); short protein forms A4fs.
Identifiers: ClinVar variation 1421887 (VCV001421887.6), dbSNP rs2144592396, ClinGen allele CA2580613226.

ClinVar aggregate classification (germline): Pathogenic (1 of 4 stars; one submission).

Conditions:
Oligodontia-cancer predisposition syndrome. Also called: TOOTH AGENESIS-COLORECTAL CANCER SYNDROME. Identifiers: Orphanet 300576, MedGen C1837750, MONDO:0012075, OMIM 608615. Disease mechanism: loss of function.

Submission:

Labcorp Genetics (formerly Invitae), Labcorp
Classification: Pathogenic for Oligodontia-cancer predisposition syndrome. Last evaluated: 2021-06-08. Review status: criteria provided, single submitter. Criteria: Invitae Variant Classification Sherloc (09022015). Collection method: clinical testing. Allele origin: germline.
Comment: This sequence change creates a premature translational stop signal (p.Ala4Tyrfs*15) in the AXIN2 gene. It is expected to result in an absent or disrupted protein product. Loss-of-function variants in AXIN2 are known to be pathogenic (PMID: 15042511, 21416598). This variant is not present in population databases (ExAC no frequency). This variant has not been reported in the literature in individuals with AXIN2-related conditions. For these reasons, this variant has been classified as Pathogenic.

Literature cited by the submitters: PubMed 15042511; PubMed 21416598.